The following is an entry in ClinVar:

ClinVar aggregate classification (germline): Uncertain significance. Review status: criteria provided, multiple submitters, no conflicts (2 of 4 stars). 2 submissions from 2 submitters: Uncertain significance (2). Last evaluated 2026-01-06.

Conditions:
Inborn genetic diseases. Identifiers: MedGen C0950123, MeSH D030342.

Allele frequency attached by ClinVar (database versions not stated): ExAC 0.00002; gnomAD exomes 0.00002; ESP Exome Variant Server 0.00015; TOPMed 0.00019.
gnomAD v4.1: 54 of 1,613,168 alleles (0.0033%); highest among the groups gnomAD compares: African/African-American, 0.07%; no homozygotes.

Submissions (2):

Labcorp Genetics (formerly Invitae), Labcorp
Classification: Uncertain significance. Last evaluated: 2026-01-06. Review status: criteria provided, single submitter. Criteria: Invitae Variant Classification Sherloc (09022015). Collection method: clinical testing. Allele origin: germline.
Comment: This sequence change replaces arginine, which is basic and polar, with glycine, which is neutral and non-polar, at codon 918 of the EMC1 protein (p.Arg918Gly). This variant is present in population databases (rs139335524, gnomAD 0.04%). This variant has not been reported in the literature in individuals affected with EMC1-related conditions. ClinVar contains an entry for this variant (Variation ID: 843993). Invitae Evidence Modeling of protein sequence and biophysical properties (such as structural, functional, and spatial information, amino acid conservation, physicochemical variation, residue mobility, and thermodynamic stability) has been performed for this missense variant. However, the output from this modeling did not meet the statistical confidence thresholds required to predict the impact of this variant on EMC1 protein function. In summary, the available evidence is currently insufficient to determine the role of this variant in disease. Therefore, it has been classified as a Variant of Uncertain Significance.

Ambry Genetics
Classification: Uncertain significance for Inborn genetic diseases. Last evaluated: 2025-07-14. Review status: criteria provided, single submitter. Criteria: Ambry Variant Classification Scheme 2023. Collection method: clinical testing. Allele origin: germline.

NM_015047.3(EMC1):c.2752C>G (p.Arg918Gly)

Genes: EMC1 (ER membrane protein complex subunit 1; minus strand), EMC1-AS1 (EMC1 antisense RNA 1; plus strand). Cytogenetic location: 1p36.13.
Variant type: single nucleotide variant.
Coding change: c.2752C>G on transcript NM_015047.3 (MANE Select); coding-DNA position 2752, C replaced by G.
Protein change: p.Arg918Gly; replaces arginine 918 with glycine.
Molecular consequence: missense variant.
Genome position (GRCh38, 1-based): chr1:19,219,619, G>C on the plus strand (C>G on the coding strand, the complement: EMC1 is on the minus strand). VCF-style: chr1-19219619-G-C. GRCh37 (hg19) VCF-style: chr1-19546113-G-C.
Other names: c.2752C>G (NM_015047.1); c.2749C>G, p.Arg917Gly (NM_001271427.2, NM_001271428.2); c.2686C>G, p.Arg896Gly (NM_001271429.2); c.2761C>G, p.Arg921Gly (NM_001375820.1); c.2758C>G, p.Arg920Gly (NM_001375821.1); short protein forms R896G, R917G, R918G, R920G, R921G.
Identifiers: ClinVar variation 843993 (VCV000843993.9), dbSNP rs139335524, ClinGen allele CA652158.